The following is an entry in ClinVar:

ClinVar aggregate classification (germline): Benign. Review status: criteria provided, multiple submitters, no conflicts (2 of 4 stars). 4 submissions from 4 submitters: Benign (4). Last evaluated 2026-02-04.

Conditions:
Left ventricular noncompaction 1 (LVNC1). Also called: LEFT VENTRICULAR NONCOMPACTION 1 WITH OR WITHOUT CONGENITAL HEART DEFECTS. Identifiers: Orphanet 54260, MedGen C1858725, MONDO:0011403, OMIM 604169.

Allele frequency attached by ClinVar (database versions not stated): gnomAD exomes 0.11893 and 0.12001; ExAC 0.12366; 1000 Genomes Project 0.12819; 1000 Genomes Project 30x 0.13382; TOPMed 0.15692; gnomAD 0.15990 and 0.16470; ESP Exome Variant Server 0.17277.
gnomAD v4.1: 199,509 of 1,613,804 alleles (12%); highest among the groups gnomAD compares: African/African-American, 27%; 13,755 homozygotes.

Submissions (4):

Labcorp Genetics (formerly Invitae), Labcorp
Classification: Benign for Left ventricular noncompaction 1. Last evaluated: 2026-02-04. Review status: criteria provided, single submitter. Criteria: Invitae Variant Classification Sherloc (09022015). Collection method: clinical testing. Allele origin: germline.

GeneDx
Classification: Benign. Last evaluated: 2014-01-08. Review status: criteria provided, single submitter. Criteria: GeneDx Variant Classification (06012015). Collection method: clinical testing. Allele origin: germline. Affected: yes.
Comment: This variant is considered likely benign or benign based on one or more of the following criteria: it is a conservative change, it occurs at a poorly conserved position in the protein, it is predicted to be benign by multiple in silico algorithms, and/or has population frequency not consistent with disease.

Breakthrough Genomics
Classification: Benign. Review status: criteria provided, single submitter. Criteria: ACMG Guidelines, 2015. Collection method: not provided. Allele origin: germline. Inheritance: Autosomal dominant inheritance. Affected: yes.

PreventionGenetics, part of Exact Sciences
Classification: Benign. Review status: criteria provided, single submitter. Criteria: ACMG Guidelines, 2015. Collection method: clinical testing. Allele origin: germline.

NM_001386795.1(DTNA):c.1903+17T>C

Gene: DTNA (dystrobrevin alpha; plus strand). Cytogenetic location: 18q12.1.
Variant type: single nucleotide variant.
Coding change: c.1903+17T>C on transcript NM_001386795.1 (MANE Select); 17 bases into the intron after coding-DNA position 1903, T replaced by C.
Molecular consequence: intron variant.
Genome position (GRCh38, 1-based): chr18:34,875,415, T>C. VCF-style: chr18-34875415-T-C. GRCh37 (hg19) VCF-style: chr18-32455379-T-C.
Other names: c.1651+17T>C (NM_032975.4, NM_001386761.1); c.1648+17T>C (NM_001386762.1); c.1732+17T>C (NM_001386754.1, NM_001386755.1, NM_001386757.1 and 3 more transcripts); c.1729+17T>C (NM_001386760.1); c.1642+17T>C (NM_001386763.1, NM_001386764.1, NM_001198940.2 and 5 more transcripts); c.1639+17T>C (NM_001386768.1, NM_001386769.1); c.1663+17T>C (NM_001198939.2); c.1903+17T>C (NM_001386788.1); and 5 more.
Identifiers: ClinVar variation 137178 (VCV000137178.12), dbSNP rs541157, ClinGen allele CA333069.